The following is an entry in ClinVar:

NM_001130438.3(SPTAN1):c.3391AAG[1] (p.Lys1132del)

Gene: SPTAN1 (spectrin alpha, non-erythrocytic 1; plus strand). Cytogenetic location: 9q34.11.
Variant type: Microsatellite.
Coding change: c.3391AAG[1] on transcript NM_001130438.3 (MANE Select); one copy of the 3-base unit AAG starting at c.3391; the reference has two copies in a row; one copy, 3 bases deleted; also written c.3394_3396del.
Protein change: p.Lys1132del; deletes lysine 1132.
Molecular consequence: inframe deletion.
Genome position (GRCh38, 1-based): chr9:128,594,353-128,594,355, AAG deleted; deleting any 3 consecutive bases within chr9:128,594,348-128,594,355 gives the same sequence; the position shown is the placement nearest the transcript's 3' end. VCF-style (leftmost placement, unchanged base first): chr9-128594347-CAGA-C. GRCh37 (hg19) VCF-style: chr9-131356626-CAGA-C.
Other names: c.3331AAG[1], p.Lys1112del (NM_001363765.2, NM_001375314.2, NM_001195532.2); c.3391AAG[1], p.Lys1132del (NM_001375310.1, NM_001375311.2, NM_001375313.1 and 2 more transcripts); c.3427AAG[1], p.Lys1144del (NM_001375312.2, NM_001375318.1); c.3394_3396del (NM_001130438.3); short protein forms K1112del, K1132del, K1144del.
Identifiers: ClinVar variation 2436400 (VCV002436400.5), dbSNP rs2541454361, ClinGen allele CA2580617102.

ClinVar aggregate classification (germline): Uncertain significance. Review status: criteria provided, multiple submitters, no conflicts (2 of 4 stars). 2 submissions from 2 submitters: Uncertain significance (2). Last evaluated 2024-07-23.

Conditions:
Early-infantile DEE. Also called: Early infantile epileptic encephalopathy with suppression bursts; Early infantile epileptic encephalopathy; Ohtahara syndrome. Identifiers: Orphanet 1934, MedGen C0393706, MONDO:0800491.

Submissions (2):

Labcorp Genetics (formerly Invitae), Labcorp
Classification: Uncertain significance for Early-infantile DEE. Last evaluated: 2024-07-23. Review status: criteria provided, single submitter. Criteria: Invitae Variant Classification Sherloc (09022015). Collection method: clinical testing. Allele origin: germline.
Comment: This variant, c.3394_3396del, results in the deletion of 1 amino acid(s) of the SPTAN1 protein (p.Lys1132del), but otherwise preserves the integrity of the reading frame. This variant is not present in population databases (gnomAD no frequency). This variant has been observed in individual(s) with clinical features of SPTAN1-related conditions (Invitae). Experimental studies and prediction algorithms are not available or were not evaluated, and the functional significance of this variant is currently unknown. In summary, the available evidence is currently insufficient to determine the role of this variant in disease. Therefore, it has been classified as a Variant of Uncertain Significance.

Revvity Omics, Revvity
Classification: Uncertain significance. Last evaluated: 2021-12-13. Review status: criteria provided, single submitter. Criteria: ACMG Guidelines, 2015. Collection method: clinical testing. Allele origin: germline.